The following is an entry in ClinVar:

ClinVar aggregate classification (germline): Uncertain significance. Review status: criteria provided, multiple submitters, no conflicts (2 of 4 stars). 2 submissions from 2 submitters: Uncertain significance (2). Last evaluated 2026-07-09.

Conditions:
Hereditary cancer-predisposing syndrome. Also called: Hereditary Cancer Syndrome; Hereditary neoplastic syndrome; Neoplastic Syndromes, Hereditary; Tumor predisposition. Identifiers: Orphanet 140162, MedGen C0027672, MeSH D009386, MONDO:0015356.

Allele frequency attached by ClinVar (database versions not stated): gnomAD exomes below 0.00001.
gnomAD v4.1: 1 of 1,614,216 alleles (0.000062%); highest among the groups gnomAD compares: African/African-American, 0.0013%; no homozygotes.

Submissions (2):

Ambry Genetics
Classification: Uncertain significance for Hereditary cancer-predisposing syndrome. Last evaluated: 2026-07-09. Review status: criteria provided, single submitter. Criteria: Ambry Variant Classification Scheme 2023. Collection method: clinical testing. Allele origin: germline.
Comment: The p.T262P variant (also known as c.784A>C), located in coding exon 5 of the CTNNA1 gene, results from an A to C substitution at nucleotide position 784. The threonine at codon 262 is replaced by proline, an amino acid with highly similar properties. This amino acid position is conserved. In addition, the in silico prediction for this alteration is inconclusive. Based on the available evidence, the clinical significance of this variant remains unclear.

Labcorp Genetics (formerly Invitae), Labcorp
Classification: Uncertain significance. Last evaluated: 2024-05-22. Review status: criteria provided, single submitter. Criteria: Invitae Variant Classification Sherloc (09022015). Collection method: clinical testing. Allele origin: germline.
Comment: This sequence change replaces threonine, which is neutral and polar, with proline, which is neutral and non-polar, at codon 262 of the CTNNA1 protein (p.Thr262Pro). This variant is not present in population databases (gnomAD no frequency). This variant has not been reported in the literature in individuals affected with CTNNA1-related conditions. Advanced modeling of protein sequence and biophysical properties (such as structural, functional, and spatial information, amino acid conservation, physicochemical variation, residue mobility, and thermodynamic stability) performed at Invitae indicates that this missense variant is not expected to disrupt CTNNA1 protein function with a negative predictive value of 80%. In summary, the available evidence is currently insufficient to determine the role of this variant in disease. Therefore, it has been classified as a Variant of Uncertain Significance.

NM_001903.5(CTNNA1):c.784A>C (p.Thr262Pro)

Gene: CTNNA1 (catenin alpha 1; plus strand). Cytogenetic location: 5q31.2.
Variant type: single nucleotide variant.
Coding change: c.784A>C on transcript NM_001903.5 (MANE Select); coding-DNA position 784, A replaced by C.
Protein change: p.Thr262Pro; replaces threonine 262 with proline.
Molecular consequence: missense variant.
Genome position (GRCh38, 1-based): chr5:138,824,725, A>C. VCF-style: chr5-138824725-A-C. GRCh37 (hg19) VCF-style: chr5-138160414-A-C.
Other names: c.784A>C (NM_001903.2); c.784A>C, p.Thr262Pro (NM_001290307.3, NM_001323982.2, NM_001323983.1 and 3 more transcripts); c.475A>C, p.Thr159Pro (NM_001290309.3); c.415A>C, p.Thr139Pro (NM_001290310.3); short protein forms T159P, T262P, T139P.
Identifiers: ClinVar variation 2792930 (VCV002792930.4), dbSNP rs2149776439, ClinGen allele CA361130013.